The following is an entry in ClinVar:

ClinVar aggregate classification (germline): Uncertain significance (1 of 4 stars; one submission).

Allele frequency attached by ClinVar (database versions not stated): ExAC 0.00002; gnomAD 0.00003; TOPMed 0.00003.
gnomAD v4.1: 6 of 1,614,034 alleles (0.00037%); highest among the groups gnomAD compares: African/African-American, 0.0067%; no homozygotes.

Submission:

Labcorp Genetics (formerly Invitae), Labcorp
Classification: Uncertain significance. Last evaluated: 2024-11-11. Review status: criteria provided, single submitter. Criteria: Invitae Variant Classification Sherloc (09022015). Collection method: clinical testing. Allele origin: germline.
Comment: This sequence change replaces glycine, which is neutral and non-polar, with serine, which is neutral and polar, at codon 406 of the SCP2 protein (p.Gly406Ser). This variant is present in population databases (rs752749344, gnomAD 0.02%). This variant has not been reported in the literature in individuals affected with SCP2-related conditions. ClinVar contains an entry for this variant (Variation ID: 1960702). An algorithm developed to predict the effect of missense changes on protein structure and function (PolyPhen-2) suggests that this variant is likely to be disruptive. In summary, the available evidence is currently insufficient to determine the role of this variant in disease. Therefore, it has been classified as a Variant of Uncertain Significance.

NM_002979.5(SCP2):c.1216G>A (p.Gly406Ser)

Gene: SCP2 (sterol carrier protein 2; plus strand). Cytogenetic location: 1p32.3.
Variant type: single nucleotide variant.
Coding change: c.1216G>A on transcript NM_002979.5 (MANE Select); coding-DNA position 1216, G replaced by A.
Protein change: p.Gly406Ser; replaces glycine 406 with serine.
Molecular consequence: missense variant.
Genome position (GRCh38, 1-based): chr1:53,015,024, G>A. VCF-style: chr1-53015024-G-A. GRCh37 (hg19) VCF-style: chr1-53480696-G-A.
Other names: c.4G>A, p.Gly2Ser (NM_001007099.3, NM_001007100.3, NM_001007250.3); c.1144G>A, p.Gly382Ser (NM_001193599.2); c.1084G>A, p.Gly362Ser (NM_001193600.2); c.973G>A, p.Gly325Ser (NM_001193617.2); short protein forms G325S, G362S, G2S, G382S, G406S.
Identifiers: ClinVar variation 1960702 (VCV001960702.5), dbSNP rs752749344, ClinGen allele CA857353.
Genomic context (GRCh38, chr1:53,015,024, plus strand): 5'-GTGGCTCTGCAGCATAATTTAGGCATTGGAGGAGCTGTGGTTGTAACACTCTACAAGATG[G>A]GTTTTCCGGAAGCCGCCAGGTGAGTGACATTCAGAGTTTTGTGTGTCAGTTAATCCTTCT-3'
Protein context (NP_002970.2, residues 396-416): GAVVVTLYKM[Gly406Ser]FPEAASSFRT